The following is an entry in ClinVar:

NM_001128840.3(CACNA1D):c.236C>A (p.Ser79Tyr)

Gene: CACNA1D (calcium voltage-gated channel subunit alpha1 D; plus strand). Cytogenetic location: 3p21.1.
Variant type: single nucleotide variant.
Coding change: c.236C>A on transcript NM_001128840.3 (MANE Select); coding-DNA position 236, C replaced by A.
Protein change: p.Ser79Tyr; replaces serine 79 with tyrosine.
Molecular consequence: missense variant.
Genome position (GRCh38, 1-based): chr3:53,497,320, C>A. VCF-style: chr3-53497320-C-A. GRCh37 (hg19) VCF-style: chr3-53531347-C-A.
Other names: c.236C>A, p.Ser79Tyr (NM_000720.4, NM_001128839.3); short protein forms S79Y.
Identifiers: ClinVar variation 3358896 (VCV003358896.1).

ClinVar aggregate classification (germline): Uncertain significance (0 of 4 stars; one submission).

Conditions:
Familial long QT syndrome (RWS). Also called: Romano-Ward syndrome; VENTRICULAR FIBRILLATION WITH PROLONGED QT INTERVAL; Congenital long QT syndrome. Identifiers: Orphanet 768, MedGen C1141890, MONDO:0019171.

gnomAD v4.1: 4 of 1,614,164 alleles (0.00025%); highest among the groups gnomAD compares: South Asian, 0.0044%; no homozygotes.

Submission:

Genetics and Genomics Program, Sidra Medicine
Classification: Uncertain significance for Isolated congenital long QT syndrome. Review status: no assertion criteria provided. Collection method: research. Allele origin: unknown. Affected: yes.
Comment: The c.236C>A missense variant in CACNA1D is reported in gnomAD with an allele count of 1 and no homozygous individuals (PM2). It occurs in a critical domain of the gene (PM1), and in silico predictions support a damaging effect (PP3). ACMG codes: PM1, PM2, PP3.